The following is an entry in ClinVar:

ClinVar aggregate classification (germline): Uncertain significance (1 of 4 stars; one submission).

gnomAD v4.1: 3 of 1,613,446 alleles (0.00019%); highest among the groups gnomAD compares: Non-Finnish European, 0.00025%; no homozygotes.

Submission:

Mayo Clinic Laboratories, Mayo Clinic
Classification: Uncertain significance. Last evaluated: 2024-11-14. Review status: criteria provided, single submitter. Criteria: ACMG Guidelines, 2015. Collection method: clinical testing. Allele origin: germline. Observed: 1 variant allele.
Comment: PM2_supporting

NM_001267550.2(TTN):c.14284A>C (p.Thr4762Pro)

Gene: TTN (titin; minus strand). Cytogenetic location: 2q31.2.
Variant type: single nucleotide variant.
Coding change: c.14284A>C on transcript NM_001267550.2 (MANE Select); coding-DNA position 14284, A replaced by C.
Protein change: p.Thr4762Pro; replaces threonine 4762 with proline.
Molecular consequence: missense variant.
Genome position (GRCh38, 1-based): chr2:178,738,169, T>G on the plus strand (A>C on the coding strand, the complement: TTN is on the minus strand). VCF-style: chr2-178738169-T-G. GRCh37 (hg19) VCF-style: chr2-179602896-T-G.
Other names: p.Thr3518Pro; c.13333A>C, p.Thr4445Pro (NM_001256850.1); c.13195A>C, p.Thr4399Pro (NM_003319.4); c.10552A>C, p.Thr3518Pro (NM_133378.4); c.13570A>C, p.Thr4524Pro (NM_133432.3); c.13771A>C, p.Thr4591Pro (NM_133437.4); short protein forms T3518P, T4591P, T4399P, T4524P, T4445P, T4762P.
Identifiers: ClinVar variation 4540761 (VCV004540761.1).